The following is an entry in ClinVar:

ClinVar aggregate classification (germline): Uncertain significance (1 of 4 stars; one submission).

Conditions:
Familial thoracic aortic aneurysm and aortic dissection (TAAD). Also called: Thoracic aortic aneurysms and dissections. Identifiers: Orphanet 91387, MedGen C4707243, MONDO:0019625.

Submission:

Ambry Genetics
Classification: Uncertain significance for Familial thoracic aortic aneurysm and aortic dissection. Last evaluated: 2026-08-19. Review status: criteria provided, single submitter. Criteria: Ambry Variant Classification Scheme 2023. Collection method: clinical testing. Allele origin: germline.
Comment: The c.7013-7_7013-5delTCTinsCC intronic variant begins 7 nucleotides before coding exon 56 in the FBN2 gene. This variant results from a deletion of three nucleotides and an insertion of two nucleotides at positions c.7013-7 to c.7013-5. This nucleotide region is not well conserved in available vertebrate species. In silico splice site analysis predicts that this alteration will not have any significant effect on splicing. Since supporting evidence is limited at this time, the clinical significance of this alteration remains unclear.

NM_001999.4(FBN2):c.7013-7_7013-5delinsCC

Gene: FBN2 (fibrillin 2; minus strand). Cytogenetic location: 5q23.3.
Variant type: Indel.
Coding change: c.7013-7_7013-5delinsCC on transcript NM_001999.4 (MANE Select); 7 bases into the intron before coding-DNA position 7013 through 5 bases into the intron before coding-DNA position 7013, TCT replaced by CC.
Molecular consequence: intron variant.
Genome position (GRCh38, 1-based): chr5:128,280,322-128,280,324, AGA replaced by GG on the plus strand (TCT replaced by CC on the coding strand, the reverse complement: FBN2 is on the minus strand). VCF-style: chr5-128280322-AGA-GG. GRCh37 (hg19) VCF-style: chr5-127616014-AGA-GG.
Identifiers: ClinVar variation 2563250 (VCV002563250.3), dbSNP rs2479655515, ClinGen allele CA2580613650.